The following is an entry in ClinVar:

ClinVar aggregate classification (germline): Uncertain significance. Review status: criteria provided, multiple submitters, no conflicts (2 of 4 stars). 9 submissions from 9 submitters: Uncertain significance (9). Last evaluated 2026-01-08.

Conditions:
Autosomal recessive limb-girdle muscular dystrophy type 2Q (LGMDR17). Also called: MUSCULAR DYSTROPHY, LIMB-GIRDLE, AUTOSOMAL RECESSIVE 17. Identifiers: Orphanet 254361, MedGen C3150989, MONDO:0013390, OMIM 613723.
Epidermolysis bullosa simplex with nail dystrophy (EBS5D). Identifiers: MedGen C4225309, MONDO:0014661, OMIM 616487.
Epidermolysis bullosa simplex 5C, with pyloric atresia (EBS5C). Also called: PLEC1-Related Epidermolysis Bullosa with Pyloric Atresia; PLEC-Related Epidermolysis Bullosa with Pyloric Atresia; Epidermolysis bullosa simplex with pyloric atresia. Identifiers: Orphanet 158684, MedGen C2677349, MONDO:0012807, OMIM 612138.
Junctional epidermolysis bullosa with pyloric atresia. Also called: CARMI SYNDROME; Epidermolysis bullosa, junctional, with pyloric atresia and aplasia cutis congenita; Epidermolysis bullosa junctionalis with pyloric atresia; EPIDERMOLYSIS BULLOSA, JUNCTIONAL 5B, WITH PYLORIC ATRESIA; APLASIA CUTIS CONGENITA WITH GASTROINTESTINAL ATRESIA; ITGB4-Related Epidermolysis Bullosa with Pyloric Atresia. Identifiers: Orphanet 79403, MedGen C5676875, MONDO:0009183, OMIM 226730.
Epidermolysis bullosa simplex, Ogna type (EBS5A). Also called: Pidermolysis bullosa simplex 5A, Ogna type; EPIDERMOLYSIS BULLOSA SIMPLEX 5A, OGNA TYPE. Identifiers: Orphanet 79401, MedGen C0432317, MONDO:0007555, OMIM 131950.
Epidermolysis bullosa simplex 5B, with muscular dystrophy (EBS5B). Also called: Epidermolysis bullosa simplex with muscular dystrophy; EPIDERMOLYSIS BULLOSA SIMPLEX AND LIMB-GIRDLE MUSCULAR DYSTROPHY. Identifiers: Orphanet 257, MedGen C2931072, MONDO:0009181, OMIM 226670.
Inborn genetic diseases. Identifiers: MedGen C0950123, MeSH D030342.

Allele frequency attached by ClinVar (database versions not stated): ExAC below 0.00001; gnomAD exomes 0.00003; gnomAD 0.00009 and 0.00010; TOPMed 0.00010.
gnomAD v4.1: 120 of 1,534,672 alleles (0.0078%); highest among the groups gnomAD compares: African/African-American, 0.011%; no homozygotes.

Submissions (9):

Labcorp Genetics (formerly Invitae), Labcorp
Classification: Uncertain significance for Autosomal recessive limb-girdle muscular dystrophy type 2Q; Epidermolysis bullosa simplex, Ogna type; Epidermolysis bullosa simplex with nail dystrophy; Epidermolysis bullosa simplex 5C, with pyloric atresia; Epidermolysis bullosa simplex 5B, with muscular dystrophy. Last evaluated: 2026-01-08. Review status: criteria provided, single submitter. Criteria: Invitae Variant Classification Sherloc (09022015). Collection method: clinical testing. Allele origin: germline.
Comment: This sequence change replaces arginine, which is basic and polar, with tryptophan, which is neutral and slightly polar, at codon 1777 of the PLEC protein (p.Arg1777Trp). This variant is present in population databases (rs782410213, gnomAD 0.007%). This variant has not been reported in the literature in individuals affected with PLEC-related conditions. ClinVar contains an entry for this variant (Variation ID: 290697). Experimental studies and prediction algorithms are not available or were not evaluated, and the functional significance of this variant is currently unknown. In summary, the available evidence is currently insufficient to determine the role of this variant in disease. Therefore, it has been classified as a Variant of Uncertain Significance.

Mayo Clinic Laboratories, Mayo Clinic
Classification: Uncertain significance. Last evaluated: 2025-10-10. Review status: criteria provided, single submitter. Criteria: ACMG Guidelines, 2015. Collection method: clinical testing. Allele origin: germline. Observed: 1 variant allele.
Comment: PM2_supporting

Revvity Omics, Revvity
Classification: Uncertain significance. Last evaluated: 2025-01-22. Review status: criteria provided, single submitter. Criteria: ACMG Guidelines, 2015. Collection method: clinical testing. Allele origin: germline.

Ambry Genetics
Classification: Uncertain significance for Inborn genetic diseases. Last evaluated: 2024-06-26. Review status: criteria provided, single submitter. Criteria: Ambry Variant Classification Scheme 2023. Collection method: clinical testing. Allele origin: germline.

Blueprint Genetics
Classification: Uncertain significance. Last evaluated: 2024-04-02. Review status: criteria provided, single submitter. Criteria: ACMG Guidelines, 2015. Collection method: clinical testing. Allele origin: germline.

GeneDx
Classification: Uncertain significance. Last evaluated: 2022-02-21. Review status: criteria provided, single submitter. Criteria: GeneDx Variant Classification Process June 2021. Collection method: clinical testing. Allele origin: germline. Affected: yes.
Comment: Not observed at a significant frequency in large population cohorts (gnomAD); In silico analysis supports that this missense variant has a deleterious effect on protein structure/function; Missense variant in a gene in which most reported pathogenic variants are truncating/loss-of-function; Has not been previously published as pathogenic or benign to our knowledge

Fulgent Genetics
Classification: Uncertain significance for Epidermolysis bullosa simplex, Ogna type; Epidermolysis bullosa simplex 5B, with muscular dystrophy; Junctional epidermolysis bullosa with pyloric atresia; Epidermolysis bullosa simplex 5C, with pyloric atresia; Autosomal recessive limb-girdle muscular dystrophy type 2Q; Epidermolysis bullosa simplex with nail dystrophy. Last evaluated: 2018-10-31. Review status: criteria provided, single submitter. Criteria: ACMG Guidelines, 2015. Collection method: clinical testing. Allele origin: unknown.

Athena Diagnostics
Classification: Uncertain significance. Last evaluated: 2017-09-11. Review status: criteria provided, single submitter. Criteria: Athena Diagnostics Criteria. Collection method: clinical testing. Allele origin: germline.

Eurofins Ntd Llc (ga)
Classification: Uncertain significance. Last evaluated: 2016-09-03. Review status: criteria provided, single submitter. Criteria: EGL Classification Definitions 2015. Collection method: clinical testing. Allele origin: germline. Observed: 1 variant allele, 1 heterozygote.

NM_201384.3(PLEC):c.5248C>T (p.Arg1750Trp)

Gene: PLEC (plectin; minus strand). Cytogenetic location: 8q24.3.
Variant type: single nucleotide variant.
Coding change: c.5248C>T on transcript NM_201384.3 (MANE Select); coding-DNA position 5248, C replaced by T.
Protein change: p.Arg1750Trp; replaces arginine 1750 with tryptophan.
Molecular consequence: missense variant.
Genome position (GRCh38, 1-based): chr8:143,924,681, G>A on the plus strand (C>T on the coding strand, the complement: PLEC is on the minus strand). VCF-style: chr8-143924681-G-A. GRCh37 (hg19) VCF-style: chr8-144998849-G-A.
Other names: p.Arg1777Trp; c.5329C>T, p.Arg1777Trp (NM_000445.5); c.5206C>T, p.Arg1736Trp (NM_201378.4); c.5182C>T, p.Arg1728Trp (NM_201379.3); c.5659C>T, p.Arg1887Trp (NM_201380.4); c.5152C>T, p.Arg1718Trp (NM_201381.3); c.5248C>T, p.Arg1750Trp (NM_201382.4); c.5260C>T, p.Arg1754Trp (NM_201383.3); short protein forms R1718W, R1728W, R1754W, R1777W, R1887W, R1736W, R1750W.
Identifiers: ClinVar variation 290697 (VCV000290697.21), dbSNP rs782410213, ClinGen allele CA4926397.